The following is an entry in ClinVar:

NM_001447.3(FAT2):c.10557C>G (p.Val3519=)

Genes: FAT2 (FAT atypical cadherin 2; minus strand), SLC36A1 (solute carrier family 36 member 1; plus strand), LOC132089193 (Neanderthal introgressed variant-containing enhancer experimental_82555; plus strand). Cytogenetic location: 5q33.1.
Variant type: single nucleotide variant.
Coding change: c.10557C>G on transcript NM_001447.3 (MANE Select); coding-DNA position 10557, C replaced by G.
Protein change: p.Val3519=; no amino-acid change (valine 3519 retained).
Molecular consequence: synonymous variant.
Genome position (GRCh38, 1-based): chr5:151,522,036, G>C on the plus strand (C>G on the coding strand, the complement: FAT2 is on the minus strand). VCF-style: chr5-151522036-G-C. GRCh37 (hg19) VCF-style: chr5-150901597-G-C.
Identifiers: ClinVar variation 1251356 (VCV001251356.9), dbSNP rs3734047, ClinGen allele CA3520205.
Genomic context (GRCh38, chr5:151,522,036, plus strand): 5'-AGTGATGAAGATCTCCAGTGGGAGAGCAGAAGGTGCATAGTGGCTCTGCTCTGTGACATG[G>C]ACACGGACAGACGTCAAAGACGAGAGGGGAGGGATGCCACTGTCTGACGCCTGTGGGCAA-3'
Protein context (NP_001438.1, residues 3509-3529): PPLSSLTSVR[Val3519=]HVTEQSHYAP

ClinVar aggregate classification (germline): Benign. Review status: criteria provided, multiple submitters, no conflicts (2 of 4 stars). 3 submissions from 3 submitters: Benign (2). 1 of the submissions does not count toward it. Last evaluated 2026-02-01.

Conditions:
FAT2-related disorder. Also called: FAT2-related condition.

Allele frequency attached by ClinVar (database versions not stated): 1000 Genomes Project 30x 0.09853; gnomAD 0.14674 and 0.14434; ESP Exome Variant Server 0.15324; gnomAD exomes 0.16014 and 0.18666; 1000 Genomes Project 0.09744; TOPMed 0.14485; ExAC 0.15741.
gnomAD v4.1: 293,462 of 1,606,800 alleles (18%); highest among the groups gnomAD compares: Non-Finnish European, 20%; 29,127 homozygotes.

Submissions (3):

Labcorp Genetics (formerly Invitae), Labcorp
Classification: Benign. Last evaluated: 2026-02-01. Review status: criteria provided, single submitter. Criteria: Invitae Variant Classification Sherloc (09022015). Collection method: clinical testing. Allele origin: germline.

GeneDx
Classification: Benign. Last evaluated: 2021-05-04. Review status: criteria provided, single submitter. Criteria: GeneDx Variant Classification Process June 2021. Collection method: clinical testing. Allele origin: germline. Affected: yes.

PreventionGenetics, part of Exact Sciences
Classification: Benign for FAT2-related condition. Last evaluated: 2019-10-28. Review status: no assertion criteria provided. Collection method: clinical testing. Allele origin: germline. Not counted in ClinVar's aggregate classification.
Comment: This variant is classified as benign based on ACMG/AMP sequence variant interpretation guidelines (Richards et al. 2015 PMID: 25741868, with internal and published modifications).